The following is an entry in ClinVar:

NM_001378414.1(HDAC4):c.2505C>G (p.Ser835Arg)

Gene: HDAC4 (histone deacetylase 4; minus strand). Cytogenetic location: 2q37.3.
Variant type: single nucleotide variant.
Coding change: c.2505C>G on transcript NM_001378414.1 (MANE Select); coding-DNA position 2505, C replaced by G.
Protein change: p.Ser835Arg; replaces serine 835 with arginine.
Molecular consequence: missense variant.
Genome position (GRCh38, 1-based): chr2:239,084,182, G>C on the plus strand (C>G on the coding strand, the complement: HDAC4 is on the minus strand). VCF-style: chr2-239084182-G-C. GRCh37 (hg19) VCF-style: chr2-240005878-G-C.
Other names: c.2505C>G, p.Ser835Arg (NM_001378415.1); c.2490C>G, p.Ser830Arg (NM_001378416.1, NM_001378417.1, NM_006037.4); short protein forms S830R, S835R.
Identifiers: ClinVar variation 3768309 (VCV003768309.1).

ClinVar aggregate classification (germline): Uncertain significance (1 of 4 stars; one submission).

gnomAD v4.1: 3 of 1,613,364 alleles (0.00019%); highest among the groups gnomAD compares: South Asian, 0.0011%; no homozygotes.

Submission:

Women's Health and Genetics/Laboratory Corporation of America, LabCorp
Classification: Uncertain significance. Last evaluated: 2024-12-03. Review status: criteria provided, single submitter. Criteria: LabCorp Variant Classification Summary - May 2015. Collection method: clinical testing. Allele origin: germline.
Comment: Variant summary: HDAC4 c.2490C>G (p.Ser830Arg) results in a non-conservative amino acid change located in the glutamine rich N-terminal domain (IPR024643) of the encoded protein sequence. Four of five in-silico tools predict a benign effect of the variant on protein function. The variant allele was found at a frequency of 1.9e-06 in 1606394 control chromosomes in the gnomAD database (v4.1 dataset). The available data on variant occurrences in the general population are insufficient to allow any conclusion about variant significance. To our knowledge, no occurrence of c.2490C>G in individuals affected with Neurodevelopmental Disorder With Central Hypotonia And Dysmorphic Facies and no experimental evidence demonstrating its impact on protein function have been reported. No submitters have cited clinical-significance assessments for this variant to ClinVar. Based on the evidence outlined above, the variant was classified as uncertain significance.